The following is an entry in ClinVar:

ClinVar aggregate classification (germline): Benign/Likely benign. Review status: criteria provided, multiple submitters, no conflicts (2 of 4 stars). 3 submissions from 3 submitters: Benign (1); Likely benign (2). Last evaluated 2018-01-13.

Conditions:
Renal hypodysplasia/aplasia 1 (RHDA1). Also called: RENAL APLASIA; HEREDITARY RENAL APLASIA. Identifiers: Orphanet 411709, MedGen C1619700, MONDO:0024519, OMIM 191830.

Allele frequency attached by ClinVar (database versions not stated): gnomAD exomes 0.00073 and 0.00185; ExAC 0.00238; gnomAD 0.00699 and 0.00735; TOPMed 0.00799; 1000 Genomes Project 0.00859; ESP Exome Variant Server 0.00884; 1000 Genomes Project 30x 0.01015.
gnomAD v4.1: 2,176 of 1,613,916 alleles (0.13%); highest among the groups gnomAD compares: African/African-American, 2.5%; 27 homozygotes.

Submissions (3):

Illumina Laboratory Services, Illumina
Classification: Likely benign for Renal hypodysplasia/aplasia 1. Last evaluated: 2018-01-13. Review status: criteria provided, single submitter. Criteria: ICSL Variant Classification Criteria 13 December 2019. Collection method: clinical testing. Allele origin: germline.
Comment: This variant was observed in the ICSL laboratory as part of a predisposition screen in an ostensibly healthy population. It had not been previously curated by ICSL or reported in the Human Gene Mutation Database (HGMD: prior to June 1st, 2018), and was therefore a candidate for classification through an automated scoring system. Utilizing variant allele frequency, disease prevalence and penetrance estimates, and inheritance mode, an automated score was calculated to assess if this variant is too frequent to cause the disease. Based on the score and internal cut-off values, a variant classified as likely benign is not then subjected to further curation. The score for this variant resulted in a classification of likely benign for this disease.

Labcorp Genetics (formerly Invitae), Labcorp
Classification: Benign. Last evaluated: 2017-12-04. Review status: criteria provided, single submitter. Criteria: Invitae Variant Classification Sherloc (09022015). Collection method: clinical testing. Allele origin: germline.

Breakthrough Genomics
Classification: Likely benign. Review status: criteria provided, single submitter. Criteria: ACMG Guidelines, 2015. Collection method: not provided. Allele origin: germline. Inheritance: Unknown mechanism. Affected: yes.

NM_006953.4(UPK3A):c.588G>A (p.Thr196=)

Gene: UPK3A (uroplakin 3A; plus strand). Cytogenetic location: 22q13.31.
Variant type: single nucleotide variant.
Coding change: c.588G>A on transcript NM_006953.4 (MANE Select); coding-DNA position 588, G replaced by A.
Protein change: p.Thr196=; no amino-acid change (threonine 196 retained).
Molecular consequence: synonymous variant.
Genome position (GRCh38, 1-based): chr22:45,293,197, G>A. VCF-style: chr22-45293197-G-A. GRCh37 (hg19) VCF-style: chr22-45689078-G-A.
Other names: c.225G>A, p.Thr75= (NM_001167574.2).
Identifiers: ClinVar variation 341983 (VCV000341983.10), dbSNP rs115882180, ClinGen allele CA10284481.